The following is an entry in ClinVar:

ClinVar aggregate classification (germline): Uncertain significance (1 of 4 stars; one submission).

Conditions:
Hereditary insensitivity to pain with anhidrosis (CIPA). Also called: NEUROPATHY, CONGENITAL SENSORY, WITH ANHIDROSIS; INSENSITIVITY TO PAIN, CONGENITAL, WITH ANHIDROSIS; FAMILIAL DYSAUTONOMIA, TYPE II; NTRK1 Congenital Insensitivity to Pain with Anhidrosis; hereditary sensory and autonomic neuropathy type 4; HSAN Type IV. Identifiers: Orphanet 642, MedGen C0020074, MONDO:0009746, OMIM 256800.

Submission:

Myriad Genetics, Inc.
Classification: Uncertain significance for Hereditary insensitivity to pain with anhidrosis. Last evaluated: 2026-06-11. Review status: criteria provided, single submitter. Criteria: Myriad Autosomal Dominant, Autosomal Recessive and X-Linked Classification Criteria (2023). Collection method: clinical testing. Allele origin: unknown.
Comment: NM_002529.3(NTRK1):c.2368_2374del7(V790Wfs*28) is a frameshift variant classified as a variant of uncertain significance in the context of congenital insensitivity to pain with anhidrosis, NTRK1-related. V790Wfs*28 has not been observed in cases with relevant disease. Relevant functional assessments of this variant are not available in the literature. V790Wfs*28 has been observed in referenced population frequency databases. In summary, there is insufficient evidence to classify NM_002529.3(NTRK1):c.2368_2374del7(V790Wfs*28) as pathogenic or benign. Please note: this variant was assessed in the context of healthy population screening.

NM_002529.4(NTRK1):c.2368_2374del (p.Val790fs)

Gene: NTRK1 (neurotrophic receptor tyrosine kinase 1; plus strand). Cytogenetic location: 1q23.1.
Variant type: Deletion.
Coding change: c.2368_2374del on transcript NM_002529.4 (MANE Select); coding-DNA positions 2368 to 2374, 7 bases deleted (GTCTACC; older notation c.2368_2374delGTCTACC).
Protein change: p.Val790fs; shifts the reading frame from valine 790.
Molecular consequence: frameshift variant.
Genome position (GRCh38, 1-based): chr1:156,881,619-156,881,625, GTCTACC deleted. VCF-style (leftmost placement, unchanged base first): chr1-156881618-TGTCTACC-T. GRCh37 (hg19) VCF-style: chr1-156851410-TGTCTACC-T.
Other names: c.2260_2266del, p.Val754fs (NM_001007792.1); c.2350_2356del, p.Val784fs (NM_001012331.2); short protein forms V784fs, V754fs, V790fs.
Identifiers: ClinVar variation 5003673 (VCV005003673.1).